The following is an entry in ClinVar:

NM_000432.4(MYL2):c.455A>G (p.Tyr152Cys)

Gene: MYL2 (myosin light chain 2; minus strand). Cytogenetic location: 12q24.11.
Variant type: single nucleotide variant.
Coding change: c.455A>G on transcript NM_000432.4 (MANE Select); coding-DNA position 455, A replaced by G.
Protein change: p.Tyr152Cys; replaces tyrosine 152 with cysteine.
Molecular consequence: missense variant.
Genome position (GRCh38, 1-based): chr12:110,911,123, T>C on the plus strand (A>G on the coding strand, the complement: MYL2 is on the minus strand). VCF-style: chr12-110911123-T-C. GRCh37 (hg19) VCF-style: chr12-111348927-T-C.
Other names: c.413A>G, p.Tyr138Cys (NM_001406745.1, NM_001406746.1); c.398A>G, p.Tyr133Cys (NM_001406916.1); short protein forms Y133C, Y138C, Y152C.
Identifiers: ClinVar variation 2442433 (VCV002442433.2), dbSNP rs1277900274, ClinGen allele CA386696800.
Genomic context (GRCh38, chr12:110,911,123, plus strand): 5'-CAGCGAGCCCCCTCCTAGTCCTTCTCTTCTCCGTGGGTGATGATGTGCACCAGGTTCTTG[T>C]AGTCCAAGTTGCCAGTCACGTCAGGGGGGAAGGCGGCGAACATCTGGTCAACCTGCAATG-3'
Protein context (NP_000423.2, residues 142-162): FPPDVTGNLD[Tyr152Cys]KNLVHIITHG

ClinVar aggregate classification (germline): Uncertain significance. Review status: criteria provided, multiple submitters, no conflicts (2 of 4 stars). 2 submissions from 2 submitters: Uncertain significance (2). Last evaluated 2025-06-30.

Conditions:
Cardiovascular phenotype. Identifiers: MedGen CN230736.

Allele frequency attached by ClinVar (database versions not stated): TOPMed below 0.00001.

Submissions (2):

Ambry Genetics
Classification: Uncertain significance for Cardiovascular phenotype. Last evaluated: 2025-06-30. Review status: criteria provided, single submitter. Criteria: Ambry Variant Classification Scheme 2023. Collection method: clinical testing. Allele origin: germline.
Comment: The p.Y152C variant (also known as c.455A>G), located in coding exon 7 of the MYL2 gene, results from an A to G substitution at nucleotide position 455. The tyrosine at codon 152 is replaced by cysteine, an amino acid with highly dissimilar properties. This amino acid position is conserved. In addition, this alteration is predicted to be deleterious by in silico analysis. Based on the available evidence, the clinical significance of this variant remains unclear.

GeneDx
Classification: Uncertain significance. Last evaluated: 2022-08-30. Review status: criteria provided, single submitter. Criteria: GeneDx Variant Classification Process June 2021. Collection method: clinical testing. Allele origin: germline. Affected: yes.
Comment: Not observed at significant frequency in large population cohorts (gnomAD); In silico analysis supports that this missense variant has a deleterious effect on protein structure/function; Has not been previously published as pathogenic or benign to our knowledge